The following is an entry in ClinVar:

ClinVar aggregate classification (germline): Uncertain significance (1 of 4 stars; one submission).

gnomAD v4.1: 1 of 1,613,998 alleles (0.000062%); highest among the groups gnomAD compares: African/African-American, 0.0013%; no homozygotes.

Submission:

GeneDx
Classification: Uncertain significance. Last evaluated: 2025-06-12. Review status: criteria provided, single submitter. Criteria: GeneDx Variant Classification Process June 2021. Collection method: clinical testing. Allele origin: germline. Affected: yes.
Comment: Not observed at significant frequency in large population cohorts (gnomAD); In silico analysis suggests that this missense variant does not alter protein structure/function; Has not been previously published as pathogenic or benign to our knowledge

NM_001318852.2(MAPK8IP3):c.1021G>A (p.Asp341Asn)

Gene: MAPK8IP3 (mitogen-activated protein kinase 8 interacting protein 3; plus strand). Cytogenetic location: 16p13.3.
Variant type: single nucleotide variant.
Coding change: c.1021G>A on transcript NM_001318852.2 (MANE Select); coding-DNA position 1021, G replaced by A.
Protein change: p.Asp341Asn; replaces aspartic acid 341 with asparagine.
Molecular consequence: missense variant.
Genome position (GRCh38, 1-based): chr16:1,748,270, G>A. VCF-style: chr16-1748270-G-A. GRCh37 (hg19) VCF-style: chr16-1798271-G-A.
Other names: c.1018G>A, p.Asp340Asn (NM_001040439.2, NM_015133.5); short protein forms D340N, D341N.
Identifiers: ClinVar variation 4537752 (VCV004537752.1).